The following is an entry in ClinVar:

NM_001709.5(BDNF):c.646C>T (p.Arg216Trp)

Genes: BDNF (brain derived neurotrophic factor; minus strand), BDNF-AS (BDNF antisense RNA; plus strand). Cytogenetic location: 11p14.1.
Variant type: single nucleotide variant.
Coding change: c.646C>T on transcript NM_001709.5 (MANE Select); coding-DNA position 646, C replaced by T.
Protein change: p.Arg216Trp; replaces arginine 216 with tryptophan.
Molecular consequence: missense variant.
Genome position (GRCh38, 1-based): chr11:27,657,919, G>A on the plus strand (C>T on the coding strand, the complement: BDNF is on the minus strand). VCF-style: chr11-27657919-G-A. GRCh37 (hg19) VCF-style: chr11-27679466-G-A.
Other names: c.646C>T, p.Arg216Trp (NM_001143805.1, NM_001143806.1, NM_001143807.2 and 9 more transcripts); c.733C>T, p.Arg245Trp (NM_001143809.2); c.892C>T, p.Arg298Trp (NM_001143810.2); c.670C>T, p.Arg224Trp (NM_170731.5); c.691C>T, p.Arg231Trp (NM_170734.4); short protein forms R245W, R224W, R231W, R298W, R216W.
Identifiers: ClinVar variation 5000780 (VCV005000780.1).

ClinVar aggregate classification (germline): Uncertain significance (1 of 4 stars; one submission).

Conditions:
BDNF-related disorder. Also called: BDNF-related condition.

Submission:

PreventionGenetics, part of Exact Sciences
Classification: Uncertain significance for BDNF-related condition. Last evaluated: 2024-11-01. Review status: criteria provided, single submitter. Criteria: ACMG Guidelines, 2015. Collection method: clinical testing. Allele origin: germline.
Comment: The BDNF c.892C>T variant is predicted to result in the amino acid substitution p.Arg298Trp. To our knowledge, this variant has not been reported in the literature or in a large population database (gnomAD), indicating this variant is rare. At this time, the clinical significance of this variant is uncertain due to the absence of conclusive functional and genetic evidence.